The following is an entry in ClinVar:

ClinVar aggregate classification (germline): Pathogenic/Likely pathogenic. Review status: criteria provided, multiple submitters, no conflicts (2 of 4 stars). 2 submissions from 2 submitters: Pathogenic (1); Likely pathogenic (1). Last evaluated 2025-01-05.

Conditions:
Spongy degeneration of central nervous system. Also called: ACY2 DEFICIENCY; AMINOACYLASE 2 DEFICIENCY; ASP DEFICIENCY; ASPA DEFICIENCY; ASPARTOACYLASE DEFICIENCY; CANAVAN-VAN BOGAERT-BERTRAND DISEASE. Identifiers: Orphanet 141, MedGen C0206307, MONDO:0010079, OMIM 271900.

Submissions (2):

Natera, Inc.
Classification: Likely pathogenic for Canavan Disease. Last evaluated: 2025-01-05. Review status: criteria provided, single submitter. Criteria: Natera Variant Classification Schema (03/2026). Collection method: clinical testing. Allele origin: germline.
Comment: The c.102G>A variant in ASPA is a nonsense variant predicted to introduce a stop codon at amino acid 34. This variant is expected to result in nonsense mediated decay, truncation, or a dysfunctional protein product. This variant is rare in the general population with a frequency below the threshold expected for the associated phenotype(s). Given the available evidence, this variant is classified as Likely Pathogenic.

Labcorp Genetics (formerly Invitae), Labcorp
Classification: Pathogenic for Spongy degeneration of central nervous system. Last evaluated: 2022-03-05. Review status: criteria provided, single submitter. Criteria: Invitae Variant Classification Sherloc (09022015). Collection method: clinical testing. Allele origin: germline.
Comment: This variant has not been reported in the literature in individuals affected with ASPA-related conditions. For these reasons, this variant has been classified as Pathogenic. This variant is not present in population databases (gnomAD no frequency). This sequence change creates a premature translational stop signal (p.Trp34*) in the ASPA gene. It is expected to result in an absent or disrupted protein product. Loss-of-function variants in ASPA are known to be pathogenic (PMID: 12638939).

Literature cited by the submitters: PubMed 12638939 (cited by Labcorp Genetics (formerly Invitae), Labcorp).

NM_000049.4(ASPA):c.102G>A (p.Trp34Ter)

Genes: ASPA (aspartoacylase; plus strand), SPATA22 (spermatogenesis associated 22; minus strand). Cytogenetic location: 17p13.2.
Variant type: single nucleotide variant.
Coding change: c.102G>A on transcript NM_000049.4 (MANE Select); coding-DNA position 102, G replaced by A.
Protein change: p.Trp34Ter; replaces tryptophan 34 with a stop codon.
Molecular consequence: nonsense. On other transcripts: intron variant (2).
Genome position (GRCh38, 1-based): chr17:3,476,261, G>A. VCF-style: chr17-3476261-G-A. GRCh37 (hg19) VCF-style: chr17-3379555-G-A.
Other names: c.102G>A, p.Trp34Ter (NM_001128085.1); c.-73-6863C>T (NM_001321336.2, NM_001321337.2); short protein forms W34*.
Identifiers: ClinVar variation 2107207 (VCV002107207.4), dbSNP rs2543606652, ClinGen allele CA397681217.
Genomic context (GRCh38, chr17:3,476,261, plus strand): 5'-TGCTATCTTTGGAGGAACCCATGGGAATGAGCTAACCGGAGTATTTCTGGTTAAGCATTG[G>A]CTAGAGAATGGCGCTGAGATTCAGAGAACAGGGCTGGAGGTAAAACCATTTATTACTAAC-3'